The following is an entry in ClinVar:

ClinVar aggregate classification (germline): Uncertain significance (1 of 4 stars; one submission).

Submission:

HudsonAlpha Institute for Biotechnology
Classification: Uncertain significance. Last evaluated: 2020-09-01. Review status: criteria provided, single submitter. Criteria: ACMG Guidelines, 2015. Collection method: research. Allele origin: unknown. Observed: 1 variant allele. Study: CSER-SouthSeq.
Comment: ACMG codes:PM2, PP3

NM_007279.3(U2AF2):c.791G>A (p.Gly264Glu)

Gene: U2AF2 (U2 small nuclear RNA auxiliary factor 2; plus strand). Cytogenetic location: 19q13.42.
Variant type: single nucleotide variant.
Coding change: c.791G>A on transcript NM_007279.3 (MANE Select); coding-DNA position 791, G replaced by A.
Protein change: p.Gly264Glu; replaces glycine 264 with glutamic acid.
Molecular consequence: missense variant.
Genome position (GRCh38, 1-based): chr19:55,668,555, G>A. VCF-style: chr19-55668555-G-A. GRCh37 (hg19) VCF-style: chr19-56179921-G-A.
Other names: c.791G>A, p.Gly264Glu (NM_001012478.2); short protein forms G264E.
Identifiers: ClinVar variation 982428 (VCV000982428.1), dbSNP rs1984686433, ClinGen allele CA407567223.